The following is an entry in ClinVar:

ClinVar aggregate classification (germline): Uncertain significance (1 of 4 stars; one submission).

Allele frequency attached by ClinVar (database versions not stated): gnomAD exomes 0.00001.

Submission:

GeneDx
Classification: Uncertain significance. Last evaluated: 2026-08-03. Review status: criteria provided, single submitter. Criteria: GeneDx Variant Classification Process June 2021. Collection method: clinical testing. Allele origin: germline.
Comment: Not observed at significant frequency in large population cohorts (gnomAD); In silico analysis suggests that this missense variant does not alter protein structure/function; Has not been previously published as pathogenic or benign to our knowledge

NM_000194.3(HPRT1):c.100A>G (p.Arg34Gly)

Gene: HPRT1 (hypoxanthine phosphoribosyltransferase 1; plus strand). Cytogenetic location: Xq26.2.
Variant type: single nucleotide variant.
Coding change: c.100A>G on transcript NM_000194.3 (MANE Select); coding-DNA position 100, A replaced by G.
Protein change: p.Arg34Gly; replaces arginine 34 with glycine.
Molecular consequence: missense variant.
Genome position (GRCh38, 1-based): chrX:134,473,431, A>G. VCF-style: chrX-134473431-A-G. GRCh37 (hg19) VCF-style: chrX-133607461-A-G.
Other names: short protein forms R34G.
Identifiers: ClinVar variation 430238 (VCV000430238.4), dbSNP rs1131691849, ClinGen allele CA414711399.
Genomic context (GRCh38, chrX:134,473,431, plus strand): 5'-GAACCAGGTTATGACCTTGATTTATTTTGCATACCTAATCATTATGCTGAGGATTTGGAA[A>G]GGGTGTTTATTCCTCATGGACTAATTATGGACAGGTAAGTAAGATCTTAAAATGAGGTTT-3'
Protein context (NP_000185.1, residues 24-44): IPNHYAEDLE[Arg34Gly]VFIPHGLIMD